The following is an entry in ClinVar:

ClinVar aggregate classification (germline): Benign. Review status: criteria provided, multiple submitters, no conflicts (2 of 4 stars). 5 submissions from 5 submitters: Benign (4). 1 of the submissions does not count toward it. Last evaluated 2026-02-04.

Conditions:
CHUK-related disorder. Also called: CHUK-related condition.

Allele frequency attached by ClinVar (database versions not stated): ExAC 0.03987; gnomAD 0.04076 and 0.04099; gnomAD exomes 0.04152 and 0.05238; ESP Exome Variant Server 0.04413; TOPMed 0.04433; 1000 Genomes Project 0.02656; 1000 Genomes Project 30x 0.02764.
gnomAD v4.1: 82,686 of 1,612,768 alleles (5.1%); highest among the groups gnomAD compares: Middle Eastern, 12%; 2,576 homozygotes.

Submissions (5):

Labcorp Genetics (formerly Invitae), Labcorp
Classification: Benign. Last evaluated: 2026-02-04. Review status: criteria provided, single submitter. Criteria: Invitae Variant Classification Sherloc (09022015). Collection method: clinical testing. Allele origin: germline.

Women's Health and Genetics/Laboratory Corporation of America, LabCorp
Classification: Benign. Last evaluated: 2026-01-21. Review status: criteria provided, single submitter. Criteria: LabCorp Variant Classification Summary - May 2015. Collection method: clinical testing. Allele origin: germline.

GeneDx
Classification: Benign. Last evaluated: 2018-11-10. Review status: criteria provided, single submitter. Criteria: GeneDx Variant Classification Process June 2021. Collection method: clinical testing. Allele origin: germline. Affected: yes.

Breakthrough Genomics
Classification: Benign. Review status: criteria provided, single submitter. Criteria: ACMG Guidelines, 2015. Collection method: not provided. Allele origin: germline. Inheritance: Autosomal recessive inheritance. Affected: yes.

PreventionGenetics, part of Exact Sciences
Classification: Benign for CHUK-related condition. Last evaluated: 2020-01-14. Review status: no assertion criteria provided. Collection method: clinical testing. Allele origin: germline. Not counted in ClinVar's aggregate classification.
Comment: This variant is classified as benign based on ACMG/AMP sequence variant interpretation guidelines (Richards et al. 2015 PMID: 25741868, with internal and published modifications).

NM_001278.5(CHUK):c.1458C>T (p.Ser486=)

Gene: CHUK (component of inhibitor of nuclear factor kappa B kinase complex; minus strand). Cytogenetic location: 10q24.31.
Variant type: single nucleotide variant.
Coding change: c.1458C>T on transcript NM_001278.5 (MANE Select); coding-DNA position 1458, C replaced by T.
Protein change: p.Ser486=; no amino-acid change (serine 486 retained).
Molecular consequence: synonymous variant.
Genome position (GRCh38, 1-based): chr10:100,204,555, G>A on the plus strand (C>T on the coding strand, the complement: CHUK is on the minus strand). VCF-style: chr10-100204555-G-A. GRCh37 (hg19) VCF-style: chr10-101964312-G-A.
Other names: c.1458C>T, p.Ser486= (NM_001320928.2); c.1458C>T (NM_001278.4).
Identifiers: ClinVar variation 1261345 (VCV001261345.14), dbSNP rs17880383, ClinGen allele CA5646457.
Genomic context (GRCh38, chr10:100,204,555, plus strand): 5'-CAGACACTTACATATCCCATACGTCATCTGCTCGCTGTATCTCTCCAAGTCAAGCTGAAT[G>A]CTTTTGTGAAAAAACTCCAATTTAGCTTTCAGTTGTTGTGATGCTGAGATCAAAGTGTTC-3'
Protein context (NP_001269.3, residues 476-496): LKAKLEFFHK[Ser486=]IQLDLERYSE